The following is an entry in ClinVar:

ClinVar aggregate classification (germline): Uncertain significance (1 of 4 stars; one submission).

Conditions:
RASopathy. Also called: Noonan spectrum disorder; rasopathies. Identifiers: Orphanet 536391, MedGen C5555857, MONDO:0021060.

Submission:

Labcorp Genetics (formerly Invitae), Labcorp
Classification: Uncertain significance for RASopathy. Last evaluated: 2024-03-29. Review status: criteria provided, single submitter. Criteria: Invitae Variant Classification Sherloc (09022015). Collection method: clinical testing. Allele origin: germline.
Comment: This sequence change replaces proline, which is neutral and non-polar, with serine, which is neutral and polar, at codon 340 of the MAP2K2 protein (p.Pro340Ser). This variant is not present in population databases (gnomAD no frequency). This variant has not been reported in the literature in individuals affected with MAP2K2-related conditions. Advanced modeling of protein sequence and biophysical properties (such as structural, functional, and spatial information, amino acid conservation, physicochemical variation, residue mobility, and thermodynamic stability) performed at Invitae indicates that this missense variant is not expected to disrupt MAP2K2 protein function with a negative predictive value of 95%. In summary, the available evidence is currently insufficient to determine the role of this variant in disease. Therefore, it has been classified as a Variant of Uncertain Significance.

NM_030662.4(MAP2K2):c.1018C>T (p.Pro340Ser)

Gene: MAP2K2 (mitogen-activated protein kinase kinase 2; minus strand). Cytogenetic location: 19p13.3.
Variant type: single nucleotide variant.
Coding change: c.1018C>T on transcript NM_030662.4 (MANE Select); coding-DNA position 1018, C replaced by T.
Protein change: p.Pro340Ser; replaces proline 340 with serine.
Molecular consequence: missense variant.
Genome position (GRCh38, 1-based): chr19:4,095,416, G>A on the plus strand (C>T on the coding strand, the complement: MAP2K2 is on the minus strand). VCF-style: chr19-4095416-G-A. GRCh37 (hg19) VCF-style: chr19-4095414-G-A.
Other names: short protein forms P340S.
Identifiers: ClinVar variation 3636794 (VCV003636794.2).